The following continues an entry in ClinVar:

NM_007294.4(BRCA1):c.3296C>T (p.Pro1099Leu)

ClinVar aggregate classification (germline): Benign. Benign (1).

Submissions 16 to 30 of 30:

Vantari Genetics
Classification: Likely benign for Hereditary cancer-predisposing syndrome. Last evaluated: 2016-01-21. Review status: criteria provided, single submitter. Criteria: ACMG Guidelines, 2015. Collection method: clinical testing. Allele origin: germline. Not counted in ClinVar's aggregate classification.

Clinical Genetics DNA and cytogenetics Diagnostics Lab, Erasmus MC, Erasmus Medical Center
Classification: Benign for Breast-ovarian cancer, familial, susceptibility to, 1. Last evaluated: 2015-09-21. Review status: criteria provided, single submitter. Criteria: ACGS Guidelines, 2013. Collection method: clinical testing. Allele origin: germline. Affected: yes. Study: VKGL Data-share Consensus. Not counted in ClinVar's aggregate classification.

Color Diagnostics, LLC DBA Color Health
Classification: Likely benign for Hereditary cancer-predisposing syndrome. Last evaluated: 2015-02-19. Review status: criteria provided, single submitter. Criteria: ACMG Guidelines, 2015. Collection method: clinical testing. Allele origin: germline. Not counted in ClinVar's aggregate classification.

Ambry Genetics
Classification: Benign for Hereditary cancer-predisposing syndrome. Last evaluated: 2014-11-18. Review status: criteria provided, single submitter. Criteria: Ambry Variant Classification Scheme 2023. Collection method: clinical testing. Allele origin: germline. Not counted in ClinVar's aggregate classification.

Molecular Genetics Laboratory, University of Michigan
Classification: Benign for Breast-ovarian cancer, familial, susceptibility to, 1. Last evaluated: 2014-11-03. Review status: criteria provided, single submitter. Criteria: ACMG Guidelines, 2015. Collection method: clinical testing. Allele origin: germline. Affected: yes. Not counted in ClinVar's aggregate classification.

Genome Diagnostics Laboratory, University Medical Center Utrecht
Classification: Benign for Breast-ovarian cancer, familial, susceptibility to, 1. Last evaluated: 2014-10-09. Review status: criteria provided, single submitter. Criteria: ACGS Guidelines, 2013. Collection method: clinical testing. Allele origin: germline. Affected: yes. Study: VKGL Data-share Consensus. Not counted in ClinVar's aggregate classification.

GeneDx
Classification: Benign. Last evaluated: 2014-01-23. Review status: criteria provided, single submitter. Criteria: GeneDx Variant Classification (06012015). Collection method: clinical testing. Allele origin: germline. Affected: yes. Not counted in ClinVar's aggregate classification.
Comment: This variant is considered likely benign or benign based on one or more of the following criteria: it is a conservative change, it occurs at a poorly conserved position in the protein, it is predicted to be benign by multiple in silico algorithms, and/or has population frequency not consistent with disease.

PreventionGenetics, part of Exact Sciences
Classification: Benign for BRCA1-related condition. Last evaluated: 2020-03-27. Review status: no assertion criteria provided. Collection method: clinical testing. Allele origin: germline. Not counted in ClinVar's aggregate classification.
Comment: This variant is classified as benign based on ACMG/AMP sequence variant interpretation guidelines (Richards et al. 2015 PMID: 25741868, with internal and published modifications).

BRCAlab, Lund University
Classification: Benign for Breast-ovarian cancer, familial, susceptibility to, 1. Last evaluated: 2020-03-02. Review status: no assertion criteria provided. Collection method: clinical testing. Allele origin: germline. Affected: yes. Not counted in ClinVar's aggregate classification.

Counsyl
Classification: Benign for Breast-ovarian cancer, familial, susceptibility to, 1. Last evaluated: 2016-02-25. Review status: no assertion criteria provided. Collection method: clinical testing. Allele origin: unknown. Not counted in ClinVar's aggregate classification.

Biesecker Lab/Clinical Genomics Section, National Institutes of Health
Classification: Likely benign. Last evaluated: 2012-07-13. Review status: no assertion criteria provided. Collection method: research. Allele origin: germline. Affected: no. Observed: 1 variant allele. Study: ClinSeq. Not counted in ClinVar's aggregate classification.
ClinVar note: Converted during submission from probably not pathogenic to Likely benign.

Breast Cancer Information Core (BIC) (BRCA1)
Classification: Benign for Breast-ovarian cancer, familial 1. Last evaluated: 2002-05-29. Review status: no assertion criteria provided. Collection method: clinical testing. Allele origin: germline. Affected: yes. Observed: 23 variant alleles. Not counted in ClinVar's aggregate classification.

Clinical Genetics Laboratory, Department of Pathology, Netherlands Cancer Institute
Classification: Benign. Review status: no assertion criteria provided. Collection method: clinical testing. Allele origin: germline. Affected: yes. Study: VKGL Data-share Consensus. Not counted in ClinVar's aggregate classification.

Department of Pathology and Laboratory Medicine, Sinai Health System
Classification: Likely benign. Review status: no assertion criteria provided. Collection method: clinical testing. Allele origin: unknown. Affected: yes. Study: The Canadian Open Genetics Repository (COGR). Not counted in ClinVar's aggregate classification.
Comment: The BRCA1 p.Pro1099Leu variant was identified in 22 of 114568 proband chromosomes (frequency: 0.0002) from individuals or families with breast or ovarian cancer (Judkins 2005, Simard 2007, Borg 2010). The variant was also identified in the following databases: dbSNP (ID: rs80357201) as "With other allele ", ClinVar (classified as benign by Invitae, Ambry Genetics, GeneDx and 7 other submitters; as likely benign by three submitters; as uncertain significance by one submitter), MutDB, LOVD 3.0 (10x), UMD-LSDB (19x as neutral), BIC Database (23x with no clinical importance), and in ARUP Laboratories (not pathogenic or of no clinical significance). In UMD the variant was identified with a co-occurring pathogenic BRCA2 variant (c.4277delC, p.Thr1426Asns*22 and c.5353delA, p.Thr1785Leufs*6), increasing the likelihood that the p.Pro1099Leu variant does not have clinical significance. The variant was not identified in COGR, Cosmic, or Zhejiang University databases. The variant was identified in control databases in 87 of 276300 chromosomes at a frequency of 0.0003 (Genome Aggregation Database Feb 27, 2017). The variant was observed in the following populations: Other in 3 of 6452 chromosomes (freq: 0.0005), Latino in 17 of 34400 chromosomes (freq: 0.0005), European in 30 of 126188 chromosomes (freq: 0.0002), East Asian in 1 of 18866 chromosomes (freq: 0.00005), Finnish in 14 of 25458 chromosomes (freq: 0.0006), and South Asian in 22 of 30778 chromosomes (freq: 0.0007); it was not observed in the African or Ashkenazi Jewish populations. The p.Pro1099 residue is not conserved in mammals and computational analyses (PolyPhen-2, SIFT, AlignGVGD, BLOSUM, MutationTaster) provide inconsistent predictions regarding the impact to the protein; this information is not very predictive of pathogenicity. The variant occurs outside of the splicing consensus sequence and in silico or computational prediction software programs (SpliceSiteFinder, MaxEntScan, NNSPLICE, GeneSplicer) do not predict a difference in splicing. A few cancer research articles identified this variant in trans with known deleterious mutations (917delTT and E1060X) in clinical specimens, increasing the likelihood that the p.Pro1099Leu variant does not have clinical significance (Judkins 2005, Judkins 2005, Spurdle 2008). In addition, the variant was classified as neutral with probability of being deleterious is 3.09âˆšÃ³10-11 by a computational model for BRCA1 and BRCA2 variants that factored in data on segregation, co-occurrence, personal and family histories, and pathology (Lindor 2012). In summary, based on the above information the clinical significance of this variant cannot be determined with certainty at this time although we would lean towards a more benign role for this variant. This variant is classified as likely benign.

Joint Genome Diagnostic Labs from Nijmegen and Maastricht, Radboudumc and MUMC+
Classification: Benign. Review status: no assertion criteria provided. Collection method: clinical testing. Allele origin: germline. Affected: yes. Study: VKGL Data-share Consensus. Not counted in ClinVar's aggregate classification.

Literature cited by the submitters: PubMed 21990134 (cited by 4 submitters); PubMed 12827452 (cited by 3 submitters); PubMed 18375895 (cited by 3 submitters); PubMed 33087888 (cited by Mayo Clinic Laboratories, Mayo Clinic); PubMed 21520273 (cited by Illumina Laboratory Services, Illumina and Women's Health and Genetics/Laboratory Corporation of America, LabCorp); PubMed 16905680 (cited by 3 submitters); PubMed 24504028 (cited by Women's Health and Genetics/Laboratory Corporation of America, LabCorp and Counsyl); PubMed 22476429 (cited by Women's Health and Genetics/Laboratory Corporation of America, LabCorp and Counsyl); PubMed 21702907 (cited by Women's Health and Genetics/Laboratory Corporation of America, LabCorp); PubMed 22753008 (cited by Women's Health and Genetics/Laboratory Corporation of America, LabCorp); PubMed 16267036 (cited by Women's Health and Genetics/Laboratory Corporation of America, LabCorp); PubMed 20104584 (cited by Women's Health and Genetics/Laboratory Corporation of America, LabCorp and Counsyl).